The following is an entry in ClinVar:

ClinVar aggregate classification (germline): Benign/Likely benign. Review status: criteria provided, multiple submitters, no conflicts (2 of 4 stars). 7 submissions from 7 submitters: Benign (5); Likely benign (2). Last evaluated 2026-02-04.

Conditions:
Primary ciliary dyskinesia. Also called: Ciliary dyskinesia. Identifiers: Orphanet 244, MedGen C0008780, MONDO:0016575, HP:0012265.

Allele frequency attached by ClinVar (database versions not stated): 1000 Genomes Project 0.03754; 1000 Genomes Project 30x 0.03795; TOPMed 0.03838; gnomAD exomes 0.03955 and 0.04533; gnomAD 0.04091 and 0.04096; ESP Exome Variant Server 0.04302; ExAC 0.06977.
gnomAD v4.1: 71,589 of 1,597,816 alleles (4.5%); highest among the groups gnomAD compares: South Asian, 5.6%; 1,819 homozygotes.

Submissions (7):

Labcorp Genetics (formerly Invitae), Labcorp
Classification: Benign for Primary ciliary dyskinesia. Last evaluated: 2026-02-04. Review status: criteria provided, single submitter. Criteria: Invitae Variant Classification Sherloc (09022015). Collection method: clinical testing. Allele origin: germline.

Blueprint Genetics
Classification: Likely benign. Last evaluated: 2024-11-27. Review status: criteria provided, single submitter. Criteria: ACMG Guidelines, 2015. Collection method: clinical testing. Allele origin: germline.

Mayo Clinic Laboratories, Mayo Clinic
Classification: Benign. Last evaluated: 2022-04-26. Review status: criteria provided, single submitter. Criteria: ACMG Guidelines, 2015. Collection method: clinical testing. Allele origin: germline. Observed: 16 variant alleles.

GeneDx
Classification: Benign. Last evaluated: 2018-12-31. Review status: criteria provided, single submitter. Criteria: GeneDx Variant Classification Process June 2021. Collection method: clinical testing. Allele origin: germline. Affected: yes.

Laboratory for Molecular Medicine, Mass General Brigham Personalized Medicine
Classification: Benign. Last evaluated: 2013-02-21. Review status: criteria provided, single submitter. Criteria: LMM Criteria. Collection method: clinical testing. Allele origin: germline. Observed: 12 variant alleles.
Comment: Thr400Ile in exon 7 of DNAH11: This variant is not expected to have clinical sig nificance because it has been identified in 4.4% (360/8170) of European American chromosomes from a broad population by the NHLBI Exome Sequencing Project (dbSNP rs72655982).

Breakthrough Genomics
Classification: Likely benign. Review status: criteria provided, single submitter. Criteria: ACMG Guidelines, 2015. Collection method: not provided. Allele origin: germline. Inheritance: Autosomal recessive inheritance. Affected: yes.

PreventionGenetics, part of Exact Sciences
Classification: Benign. Review status: criteria provided, single submitter. Criteria: ACMG Guidelines, 2015. Collection method: clinical testing. Allele origin: germline.

NM_001277115.2(DNAH11):c.1199C>T (p.Thr400Ile)

Gene: DNAH11 (dynein axonemal heavy chain 11; plus strand). Cytogenetic location: 7p15.3.
Variant type: single nucleotide variant.
Coding change: c.1199C>T on transcript NM_001277115.2 (MANE Select); coding-DNA position 1199, C replaced by T.
Protein change: p.Thr400Ile; replaces threonine 400 with isoleucine.
Molecular consequence: missense variant.
Genome position (GRCh38, 1-based): chr7:21,570,073, C>T. VCF-style: chr7-21570073-C-T. GRCh37 (hg19) VCF-style: chr7-21609691-C-T.
Other names: short protein forms T400I.
Identifiers: ClinVar variation 163095 (VCV000163095.25), dbSNP rs72655982, ClinGen allele CA175702.